The following is an entry in ClinVar:

ClinVar aggregate classification (germline): Uncertain significance (1 of 4 stars; one submission).

Conditions:
Emery-Dreifuss muscular dystrophy 4, autosomal dominant (EDMD4). Also called: EMERY-DREIFUSS MUSCULAR DYSTROPHY 4 WITH VARIABLE FEATURES. Identifiers: Orphanet 261, MedGen C2751807, MONDO:0013071, OMIM 612998.

Submission:

Baylor Genetics
Classification: Uncertain significance for Emery-Dreifuss muscular dystrophy 4, autosomal dominant. Last evaluated: 2019-06-13. Review status: criteria provided, single submitter. Criteria: ACMG Guidelines, 2015. Collection method: clinical testing. Allele origin: unknown. Affected: yes.
Comment: This variant was determined to be of uncertain significance according to ACMG Guidelines, 2015 [PMID:25741868].

NM_182961.4(SYNE1):c.6128A>T (p.Lys2043Met)

Gene: SYNE1 (spectrin repeat containing nuclear envelope protein 1; minus strand). Cytogenetic location: 6q25.2.
Variant type: single nucleotide variant.
Coding change: c.6128A>T on transcript NM_182961.4 (MANE Select); coding-DNA position 6128, A replaced by T.
Protein change: p.Lys2043Met; replaces lysine 2043 with methionine.
Molecular consequence: missense variant.
Genome position (GRCh38, 1-based): chr6:152,413,454, T>A on the plus strand (A>T on the coding strand, the complement: SYNE1 is on the minus strand). VCF-style: chr6-152413454-T-A. GRCh37 (hg19) VCF-style: chr6-152734589-T-A.
Other names: c.6149A>T, p.Lys2050Met (NM_033071.5); short protein forms K2050M, K2043M.
Identifiers: ClinVar variation 1030079 (VCV001030079.1), dbSNP rs1015453687, ClinGen allele CA366129558.